The following is an entry in ClinVar:

NM_144988.4(ALG14):c.98C>T (p.Pro33Leu)

Genes: ALG14 (ALG14 UDP-N-acetylglucosaminyltransferase subunit; minus strand), LOC129930989 (ATAC-STARR-seq lymphoblastoid active region 1353; plus strand). Cytogenetic location: 1p21.3.
Variant type: single nucleotide variant.
Coding change: c.98C>T on transcript NM_144988.4 (MANE Select); coding-DNA position 98, C replaced by T.
Protein change: p.Pro33Leu; replaces proline 33 with leucine.
Molecular consequence: missense variant. On other transcripts: non-coding transcript variant (1).
Genome position (GRCh38, 1-based): chr1:95,072,801, G>A on the plus strand (C>T on the coding strand, the complement: ALG14 is on the minus strand). VCF-style: chr1-95072801-G-A. GRCh37 (hg19) VCF-style: chr1-95538357-G-A.
Other names: c.98C>T, p.Pro33Leu (NM_001305242.2); c.98C>T (NM_144988.3); short protein forms P33L.
Identifiers: ClinVar variation 644995 (VCV000644995.8), dbSNP rs200080963, ClinGen allele CA961892.

ClinVar aggregate classification (germline): Uncertain significance. Review status: criteria provided, multiple submitters, no conflicts (2 of 4 stars). 3 submissions from 3 submitters: Uncertain significance (3). Last evaluated 2025-04-11.

Conditions:
Congenital myasthenic syndrome 15. Also called: Myasthenic syndrome, congenital, 15, without tubular aggregates. Identifiers: Orphanet 353327, Orphanet 590, MedGen C4015596, MONDO:0014542, OMIM 616227.
Inborn genetic diseases. Identifiers: MedGen C0950123, MeSH D030342.

Allele frequency attached by ClinVar (database versions not stated): ESP Exome Variant Server 0.00015; gnomAD exomes 0.00012 and 0.00011; gnomAD 0.00016 and 0.00015; TOPMed 0.00008; ExAC 0.00009.
gnomAD v4.1: 188 of 1,614,034 alleles (0.012%); highest among the groups gnomAD compares: Middle Eastern, 0.33%; 1 homozygote.

Submissions (3):

Ambry Genetics
Classification: Uncertain significance for Inborn genetic diseases. Last evaluated: 2025-04-11. Review status: criteria provided, single submitter. Criteria: Ambry Variant Classification Scheme 2023. Collection method: clinical testing. Allele origin: germline.

Labcorp Genetics (formerly Invitae), Labcorp
Classification: Uncertain significance for Congenital myasthenic syndrome 15. Last evaluated: 2022-06-30. Review status: criteria provided, single submitter. Criteria: Invitae Variant Classification Sherloc (09022015). Collection method: clinical testing. Allele origin: germline.
Comment: This sequence change replaces proline, which is neutral and non-polar, with leucine, which is neutral and non-polar, at codon 33 of the ALG14 protein (p.Pro33Leu). This variant is present in population databases (rs200080963, gnomAD 0.02%). This variant has not been reported in the literature in individuals affected with ALG14-related conditions. ClinVar contains an entry for this variant (Variation ID: 644995). Algorithms developed to predict the effect of missense changes on protein structure and function output the following: SIFT: "Tolerated"; PolyPhen-2: "Benign"; Align-GVGD: "Class C0". The leucine amino acid residue is found in multiple mammalian species, which suggests that this missense change does not adversely affect protein function. In summary, the available evidence is currently insufficient to determine the role of this variant in disease. Therefore, it has been classified as a Variant of Uncertain Significance.

Breakthrough Genomics
Classification: Uncertain significance. Review status: criteria provided, single submitter. Criteria: ACMG Guidelines, 2015. Collection method: not provided. Allele origin: germline. Inheritance: Autosomal recessive inheritance. Affected: yes.